The following is an entry in ClinVar:

ClinVar aggregate classification (germline): Uncertain significance (1 of 4 stars; one submission).

Conditions:
Charcot-Marie-Tooth disease axonal type 2V. Also called: CHARCOT-MARIE-TOOTH NEUROPATHY, TYPE 2V; CHARCOT-MARIE-TOOTH DISEASE, AXONAL, AUTOSOMAL DOMINANT, TYPE 2V. Identifiers: Orphanet 447964, MedGen C5569050, MONDO:0014665, OMIM 616491.
Mucopolysaccharidosis, MPS-III-B (MPS3B). Also called: MPS IIIB (Sanfilippo Syndrome Type B); N-ACETYL-ALPHA-D-GLUCOSAMINIDASE DEFICIENCY; NAGLU DEFICIENCY; MUCOPOLYSACCHARIDOSIS, TYPE IIIB; Mucopolysaccharidosis type IIIB (Sanfilippo B); SANFILIPPO SYNDROME B. Identifiers: Orphanet 79270, MedGen C0086648, MONDO:0009656, OMIM 252920.

Allele frequency attached by ClinVar (database versions not stated): gnomAD 0.00001; 1000 Genomes Project 30x 0.00016; 1000 Genomes Project 0.00020.
gnomAD v4.1: 5 of 1,610,978 alleles (0.00031%); highest among the groups gnomAD compares: East Asian, 0.0022%; no homozygotes.

Submission:

Labcorp Genetics (formerly Invitae), Labcorp
Classification: Uncertain significance for Charcot-Marie-Tooth disease axonal type 2V; Mucopolysaccharidosis, MPS-III-B. Last evaluated: 2022-07-12. Review status: criteria provided, single submitter. Criteria: Invitae Variant Classification Sherloc (09022015). Collection method: clinical testing. Allele origin: germline.
Comment: This sequence change replaces alanine, which is neutral and non-polar, with threonine, which is neutral and polar, at codon 582 of the NAGLU protein (p.Ala582Thr). This variant is present in population databases (rs144238669, gnomAD 0.006%). This variant has not been reported in the literature in individuals affected with NAGLU-related conditions. ClinVar contains an entry for this variant (Variation ID: 1402397). Advanced modeling of protein sequence and biophysical properties (such as structural, functional, and spatial information, amino acid conservation, physicochemical variation, residue mobility, and thermodynamic stability) performed at Invitae indicates that this missense variant is expected to disrupt NAGLU protein function. In summary, the available evidence is currently insufficient to determine the role of this variant in disease. Therefore, it has been classified as a Variant of Uncertain Significance.

NM_000263.4(NAGLU):c.1744G>A (p.Ala582Thr)

Gene: NAGLU (N-acetyl-alpha-glucosaminidase; plus strand). Cytogenetic location: 17q21.2.
Variant type: single nucleotide variant.
Coding change: c.1744G>A on transcript NM_000263.4 (MANE Select); coding-DNA position 1744, G replaced by A.
Protein change: p.Ala582Thr; replaces alanine 582 with threonine.
Molecular consequence: missense variant.
Genome position (GRCh38, 1-based): chr17:42,543,750, G>A. VCF-style: chr17-42543750-G-A. GRCh37 (hg19) VCF-style: chr17-40695768-G-A.
Other names: short protein forms A582T.
Identifiers: ClinVar variation 1402397 (VCV001402397.3), dbSNP rs144238669, ClinGen allele CA8577084.